The following is an entry in ClinVar:

NM_014264.5(PLK4):c.1855G>T (p.Val619Leu)

Gene: PLK4 (polo like kinase 4; plus strand). Cytogenetic location: 4q28.1.
Variant type: single nucleotide variant.
Coding change: c.1855G>T on transcript NM_014264.5 (MANE Select); coding-DNA position 1855, G replaced by T.
Protein change: p.Val619Leu; replaces valine 619 with leucine.
Molecular consequence: missense variant.
Genome position (GRCh38, 1-based): chr4:127,891,116, G>T. VCF-style: chr4-127891116-G-T. GRCh37 (hg19) VCF-style: chr4-128812271-G-T.
Other names: c.1759G>T, p.Val587Leu (NM_001190799.2); c.1732G>T, p.Val578Leu (NM_001190801.2); c.1855G>T (NM_014264.4); short protein forms V619L, V587L, V578L.
Identifiers: ClinVar variation 1388829 (VCV001388829.8), dbSNP rs200696964, ClinGen allele CA3076877.
Genomic context (GRCh38, chr4:127,891,116, plus strand): 5'-GAATTATTACTGATTTTGGGTTTTTTTTTTTTTTAGGTGAGCATACTTGATTCAGAGGAG[G>T]TGTGTGTGGAGCTTGTAAAGGAGTATGCATCTCAAGAATATGTGAAAGAAGTTCTTCAGA-3'
Protein context (NP_055079.3, residues 609-629): AVVSILDSEE[Val619Leu]CVELVKEYAS

ClinVar aggregate classification (germline): Uncertain significance. Review status: criteria provided, multiple submitters, no conflicts (2 of 4 stars). 2 submissions from 2 submitters: Uncertain significance (2). Last evaluated 2025-05-15.

Conditions:
Inborn genetic diseases. Identifiers: MedGen C0950123, MeSH D030342.

Allele frequency attached by ClinVar (database versions not stated): 1000 Genomes Project 0.00020; gnomAD exomes 0.00014; ESP Exome Variant Server 0.00015; 1000 Genomes Project 30x 0.00031.
gnomAD v4.1: 198 of 1,588,112 alleles (0.012%); highest among the groups gnomAD compares: Non-Finnish European, 0.016%; no homozygotes.

Submissions (2):

Ambry Genetics
Classification: Uncertain significance for Inborn genetic diseases. Last evaluated: 2025-05-15. Review status: criteria provided, single submitter. Criteria: Ambry Variant Classification Scheme 2023. Collection method: clinical testing. Allele origin: germline.

Labcorp Genetics (formerly Invitae), Labcorp
Classification: Uncertain significance. Last evaluated: 2022-11-07. Review status: criteria provided, single submitter. Criteria: Invitae Variant Classification Sherloc (09022015). Collection method: clinical testing. Allele origin: germline.
Comment: In summary, the available evidence is currently insufficient to determine the role of this variant in disease. Therefore, it has been classified as a Variant of Uncertain Significance. Algorithms developed to predict the effect of missense changes on protein structure and function are either unavailable or do not agree on the potential impact of this missense change (SIFT: "Deleterious"; PolyPhen-2: "Probably Damaging"; Align-GVGD: "Class C0"). ClinVar contains an entry for this variant (Variation ID: 1388829). This variant has not been reported in the literature in individuals affected with PLK4-related conditions. This variant is present in population databases (rs200696964, gnomAD 0.01%). This sequence change replaces valine, which is neutral and non-polar, with leucine, which is neutral and non-polar, at codon 619 of the PLK4 protein (p.Val619Leu).